The following is an entry in ClinVar:

NM_000038.6(APC):c.2195del (p.Asn732fs)

Gene: APC (APC regulator of Wnt signaling pathway; plus strand). Cytogenetic location: 5q22.2.
Variant type: Deletion.
Coding change: c.2195del on transcript NM_000038.6 (MANE Select); coding-DNA position 2195, one base deleted (A; older notation c.2195delA).
Protein change: p.Asn732fs; shifts the reading frame from asparagine 732.
Molecular consequence: frameshift variant.
Genome position (GRCh38, 1-based): chr5:112,837,789, A deleted; the last of 3 consecutive A bases (chr5:112,837,787-112,837,789); deleting any one gives the same sequence. VCF-style (leftmost placement, unchanged base first): chr5-112837786-CA-C. GRCh37 (hg19) VCF-style: chr5-112173483-CA-C.
Other names: c.2195del, p.Asn732fs (NM_001127510.3, NM_001354895.2); c.2141del, p.Asn714fs (NM_001127511.3); c.2249del, p.Asn750fs (NM_001354896.2); c.2225del, p.Asn742fs (NM_001354897.2); c.2120del, p.Asn707fs (NM_001354898.2); c.2111del, p.Asn704fs (NM_001354899.2); c.2072del, p.Asn691fs (NM_001354900.2); c.2018del, p.Asn673fs (NM_001354901.2); and 16 more; short protein forms N449fs, N572fs, N606fs, N631fs, N641fs, N673fs, N691fs, N704fs.
Identifiers: ClinVar variation 1878942 (VCV001878942.2), dbSNP rs2533403411, ClinGen allele CA2580072439.

ClinVar aggregate classification (germline): Pathogenic. Review status: criteria provided, multiple submitters, no conflicts (2 of 4 stars). 2 submissions from 2 submitters: Pathogenic (2). Last evaluated 2023-05-04.

Conditions:
Familial adenomatous polyposis 1 (FAP1). Also called: FAMILIAL ADENOMATOUS POLYPOSIS 1, ATTENUATED; POLYPOSIS, ADENOMATOUS INTESTINAL. Identifiers: MedGen C2713442, MONDO:0021056, OMIM 175100. Disease mechanism: loss of function.

Submissions (2):

Myriad Genetics, Inc.
Classification: Pathogenic for Familial adenomatous polyposis 1. Last evaluated: 2023-05-04. Review status: criteria provided, single submitter. Criteria: Myriad Autosomal Dominant, Autosomal Recessive and X-Linked Classification Criteria (2023). Collection method: clinical testing. Allele origin: unknown.
Comment: This variant is considered pathogenic. This variant creates a frameshift predicted to result in premature protein truncation.

GeneDx
Classification: Pathogenic. Last evaluated: 2022-07-15. Review status: criteria provided, single submitter. Criteria: GeneDx Variant Classification Process June 2021. Collection method: clinical testing. Allele origin: germline. Affected: yes.
Comment: Frameshift variant predicted to result in protein truncation in a gene for which loss of function is a known mechanism of disease; Not observed at significant frequency in large population cohorts (gnomAD); Has not been previously published as pathogenic or benign to our knowledge